The following is an entry in ClinVar:

NM_003283.6(TNNT1):c.792-278C>A

Gene: TNNT1 (troponin T1, slow skeletal type; minus strand). Cytogenetic location: 19q13.42.
Variant type: single nucleotide variant.
Coding change: c.792-278C>A on transcript NM_003283.6 (MANE Select); 278 bases into the intron before coding-DNA position 792, C replaced by A.
Molecular consequence: intron variant.
Genome position (GRCh38, 1-based): chr19:55,133,238, G>T on the plus strand (C>A on the coding strand, the complement: TNNT1 is on the minus strand). VCF-style: chr19-55133238-G-T. GRCh37 (hg19) VCF-style: chr19-55644606-G-T.
Other names: c.711-278C>A (NM_001126133.3, NM_001291774.2); c.744-278C>A (NM_001126132.3).
Identifiers: ClinVar variation 31859 (VCV000031859.4), dbSNP rs891185, ClinGen allele CA215417.
Genomic context (GRCh38, chr19:55,133,238, plus strand): 5'-GGGCGAGTGCAGGGTGTTCATGGGGGAGCTGATGAATGTTTATGAGTCAGGGGCCAGGGT[G>T]GGGGGAGGAAGGGTTGGATGATCTGGGCATGGGTGGGTAACACGCAGGAAGGGCTGGGGT-3'

ClinVar aggregate classification (germline): Benign. Review status: criteria provided, single submitter (1 of 4 stars). 2 submissions from 2 submitters: Benign (1). 1 of the submissions does not count toward it. Last evaluated 2018-06-18.

Allele frequency attached by ClinVar (database versions not stated): 1000 Genomes Project 0.28195; TOPMed 0.21971.
gnomAD v4.1: 34,836 of 150,658 alleles (23%); highest among the groups gnomAD compares: South Asian, 42%; 4,276 homozygotes.

Submissions (2):

GeneDx
Classification: Benign. Last evaluated: 2018-06-18. Review status: criteria provided, single submitter. Criteria: GeneDx Variant Classification (06012015). Collection method: clinical testing. Allele origin: germline. Affected: yes.
Comment: This variant is considered likely benign or benign based on one or more of the following criteria: it is a conservative change, it occurs at a poorly conserved position in the protein, it is predicted to be benign by multiple in silico algorithms, and/or has population frequency not consistent with disease.

Leiden Muscular Dystrophy (TNNT1)
No classification provided. Last evaluated: 2012-03-18. Review status: no classification provided. Collection method: curation. Allele origin: germline. Not counted in ClinVar's aggregate classification.